The following is an entry in ClinVar:

ClinVar aggregate classification (germline): Uncertain significance (1 of 4 stars; one submission).

Conditions:
PHIP-related disorder. Also called: PHIP-related disorders; PHIP-related condition.

Submission:

PreventionGenetics, part of Exact Sciences
Classification: Uncertain significance for PHIP-related condition. Last evaluated: 2024-10-15. Review status: criteria provided, single submitter. Criteria: ACMG Guidelines, 2015. Collection method: clinical testing. Allele origin: germline.
Comment: The PHIP c.1135A>G variant is predicted to result in the amino acid substitution p.Arg379Gly. To our knowledge, this variant has not been reported in the literature or in a large population database (gnomAD), indicating this variant is rare. At this time, the clinical significance of this variant is uncertain due to the absence of conclusive functional and genetic evidence.

NM_017934.7(PHIP):c.1135A>G (p.Arg379Gly)

Gene: PHIP (PHIP subunit of CUL4-Ring ligase complex; minus strand). Cytogenetic location: 6q14.1.
Variant type: single nucleotide variant.
Coding change: c.1135A>G on transcript NM_017934.7 (MANE Select); coding-DNA position 1135, A replaced by G.
Protein change: p.Arg379Gly; replaces arginine 379 with glycine.
Molecular consequence: missense variant.
Genome position (GRCh38, 1-based): chr6:79,017,347, T>C on the plus strand (A>G on the coding strand, the complement: PHIP is on the minus strand). VCF-style: chr6-79017347-T-C. GRCh37 (hg19) VCF-style: chr6-79727064-T-C.
Other names: short protein forms R379G.
Identifiers: ClinVar variation 5001722 (VCV005001722.1).
Genomic context (GRCh38, chr6:79,017,347, plus strand): 5'-CTAAAATTGTCTTTATTTCATAATTTTAAAATTAGAATTAAATTAGACAAATATTTTACC[T>C]GTTACTAGTGTTGGAAAACTGGATACTGTCAACTTTGTCCTATATATAAACAAATAAACA-3'
Protein context (NP_060404.4, residues 369-389): DSIQFSNTSN[Arg379Gly]FVSGSRDGTA